The following is an entry in ClinVar:

ClinVar aggregate classification (germline): Uncertain significance (1 of 4 stars; one submission).

Allele frequency attached by ClinVar (database versions not stated): TOPMed 0.00002; gnomAD 0.00003.
gnomAD v4.1: 11 of 1,531,596 alleles (0.00072%); highest among the groups gnomAD compares: Non-Finnish European, 0.00087%; no homozygotes.

Submission:

Labcorp Genetics (formerly Invitae), Labcorp
Classification: Uncertain significance. Last evaluated: 2023-04-16. Review status: criteria provided, single submitter. Criteria: Invitae Variant Classification Sherloc (09022015). Collection method: clinical testing. Allele origin: germline.
Comment: This sequence change affects codon 239 of the NEFH mRNA. It is a 'silent' change, meaning that it does not change the encoded amino acid sequence of the NEFH protein. This variant is not present in population databases (gnomAD no frequency). This variant has not been reported in the literature in individuals affected with NEFH-related conditions. Algorithms developed to predict the effect of sequence changes on RNA splicing suggest that this variant may create or strengthen a splice site. In summary, the available evidence is currently insufficient to determine the role of this variant in disease. Therefore, it has been classified as a Variant of Uncertain Significance.

NM_021076.4(NEFH):c.717C>T (p.Gly239=)

Gene: NEFH (neurofilament heavy chain; plus strand). Cytogenetic location: 22q12.2.
Variant type: single nucleotide variant.
Coding change: c.717C>T on transcript NM_021076.4 (MANE Select); coding-DNA position 717, C replaced by T.
Protein change: p.Gly239=; no amino-acid change (glycine 239 retained).
Molecular consequence: synonymous variant.
Genome position (GRCh38, 1-based): chr22:29,480,979, C>T. VCF-style: chr22-29480979-C-T. GRCh37 (hg19) VCF-style: chr22-29876968-C-T.
Identifiers: ClinVar variation 2956352 (VCV002956352.3), dbSNP rs889352959, ClinGen allele CA323083090.
Genomic context (GRCh38, chr22:29,480,979, plus strand): 5'-GGCGCAGGCGCTGCAGGAGGAGTGCGGCTACCTGCGGCGCCACCACCAGGAAGAGGTGGG[C>T]GAGCTGCTCGGCCAGATCCAGGGCTCCGGCGCCGCGCAGGCGCAGATGCAGGCCGAGACG-3'
Protein context (NP_066554.2, residues 229-249): YLRRHHQEEV[Gly239=]ELLGQIQGSG